The following is an entry in ClinVar:

NM_003128.3(SPTBN1):c.4712A>G (p.Lys1571Arg)

Gene: SPTBN1 (spectrin beta, non-erythrocytic 1; plus strand). Cytogenetic location: 2p16.2.
Variant type: single nucleotide variant.
Coding change: c.4712A>G on transcript NM_003128.3 (MANE Select); coding-DNA position 4712, A replaced by G.
Protein change: p.Lys1571Arg; replaces lysine 1571 with arginine.
Molecular consequence: missense variant.
Genome position (GRCh38, 1-based): chr2:54,646,321, A>G. VCF-style: chr2-54646321-A-G. GRCh37 (hg19) VCF-style: chr2-54873458-A-G.
Other names: c.4673A>G, p.Lys1558Arg (NM_178313.3); short protein forms K1558R, K1571R.
Identifiers: ClinVar variation 3251266 (VCV003251266.1), dbSNP rs2549557471.
Genomic context (GRCh38, chr2:54,646,321, plus strand): 5'-TCGTCACTGACAGCAGCAGCCTCAGCGCTGAGGCCATCAGACAGAGGCTTGCCGACCTGA[A>G]GCAGCTGTGGGGTCTCCTCATTGAGGAGACAGAGAAACGCCACAGGCGGCTGGAGGAGGC-3'
Protein context (NP_003119.2, residues 1561-1581): EAIRQRLADL[Lys1571Arg]QLWGLLIEET

ClinVar aggregate classification (germline): Uncertain significance (1 of 4 stars; one submission).

Allele frequency attached by ClinVar (database versions not stated): gnomAD exomes below 0.00001.
gnomAD v4.1: 1 of 1,614,216 alleles (0.000062%); highest among the groups gnomAD compares: Admixed American, 0.0017%; no homozygotes.

Submission:

Women's Health and Genetics/Laboratory Corporation of America, LabCorp
Classification: Uncertain significance. Last evaluated: 2024-04-15. Review status: criteria provided, single submitter. Criteria: LabCorp Variant Classification Summary - May 2015. Collection method: clinical testing. Allele origin: germline.
Comment: Variant summary: SPTBN1 c.4712A>G (p.Lys1571Arg) results in a conservative amino acid change in the encoded protein sequence. Four of five in-silico tools predict a benign effect of the variant on protein function. The variant was absent in 251066 control chromosomes. The available data on variant occurrences in the general population are insufficient to allow any conclusion about variant significance. To our knowledge, no occurrence of c.4712A>G in individuals affected with Developmental Delay, Impaired Speech, And Behavioral Abnormalities and no experimental evidence demonstrating its impact on protein function have been reported. No submitters have cited clinical-significance assessments for this variant to ClinVar. Based on the evidence outlined above, the variant was classified as uncertain significance.